The following is an entry in ClinVar:

ClinVar aggregate classification (germline): Uncertain significance. Review status: criteria provided, multiple submitters, no conflicts (2 of 4 stars). 3 submissions from 3 submitters: Uncertain significance (3). Last evaluated 2026-06-30.

Conditions:
SH3TC2-related disorder. Also called: SH3TC2-related condition; SH3TC2-related disorders. Identifiers: MedGen CN239303.
Inborn genetic diseases. Identifiers: MedGen C0950123, MeSH D030342.
Charcot-Marie-Tooth disease type 4. Also called: Charcot-Marie-Tooth disease, type IV; Charcot-Marie-Tooth, Type 4. Identifiers: Orphanet 64749, MedGen C4082197, MONDO:0018995.

Allele frequency attached by ClinVar (database versions not stated): gnomAD 0.00001 and 0.00002; gnomAD exomes 0.00002; TOPMed 0.00002; ExAC 0.00004; 1000 Genomes Project 30x 0.00016; 1000 Genomes Project 0.00020.
gnomAD v4.1: 39 of 1,614,106 alleles (0.0024%); highest among the groups gnomAD compares: South Asian, 0.0077%; no homozygotes.

Submissions (3):

PreventionGenetics, part of Exact Sciences
Classification: Uncertain significance for SH3TC2-related condition. Last evaluated: 2026-06-30. Review status: criteria provided, single submitter. Criteria: ACMG Guidelines, 2015. Collection method: clinical testing. Allele origin: germline.
Comment: The SH3TC2 c.3149C>T variant is predicted to result in the amino acid substitution p.Ala1050Val. To our knowledge, this variant has not been reported in the literature. This variant is reported in 0.0065% of alleles in individuals of South Asian descent in gnomAD. At this time, the clinical significance of this variant is uncertain due to the absence of conclusive functional and genetic evidence.

Labcorp Genetics (formerly Invitae), Labcorp
Classification: Uncertain significance for Charcot-Marie-Tooth disease type 4. Last evaluated: 2022-06-24. Review status: criteria provided, single submitter. Criteria: Invitae Variant Classification Sherloc (09022015). Collection method: clinical testing. Allele origin: germline.
Comment: This sequence change replaces alanine, which is neutral and non-polar, with valine, which is neutral and non-polar, at codon 1050 of the SH3TC2 protein (p.Ala1050Val). This variant is present in population databases (rs570067509, gnomAD 0.006%). This variant has not been reported in the literature in individuals affected with SH3TC2-related conditions. ClinVar contains an entry for this variant (Variation ID: 476905). Advanced modeling of protein sequence and biophysical properties (such as structural, functional, and spatial information, amino acid conservation, physicochemical variation, residue mobility, and thermodynamic stability) performed at Invitae indicates that this missense variant is not expected to disrupt SH3TC2 protein function. In summary, the available evidence is currently insufficient to determine the role of this variant in disease. Therefore, it has been classified as a Variant of Uncertain Significance.

Ambry Genetics
Classification: Uncertain significance for Inborn genetic diseases. Last evaluated: 2022-01-04. Review status: criteria provided, single submitter. Criteria: Ambry Variant Classification Scheme 2023. Collection method: clinical testing. Allele origin: germline.
Comment: The p.A1050V variant (also known as c.3149C>T), located in coding exon 13 of the SH3TC2 gene, results from a C to T substitution at nucleotide position 3149. The alanine at codon 1050 is replaced by valine, an amino acid with similar properties. This amino acid position is well conserved in available vertebrate species; however, valine is the reference amino acid in other vertebrate species. In addition, the in silico prediction for this alteration is inconclusive. Since supporting evidence is limited at this time, the clinical significance of this alteration remains unclear.

NM_024577.4(SH3TC2):c.3149C>T (p.Ala1050Val)

Gene: SH3TC2 (SH3 domain and tetratricopeptide repeats 2; minus strand). Cytogenetic location: 5q32.
Variant type: single nucleotide variant.
Coding change: c.3149C>T on transcript NM_024577.4 (MANE Select); coding-DNA position 3149, C replaced by T.
Protein change: p.Ala1050Val; replaces alanine 1050 with valine.
Molecular consequence: missense variant.
Genome position (GRCh38, 1-based): chr5:149,012,639, G>A on the plus strand (C>T on the coding strand, the complement: SH3TC2 is on the minus strand). VCF-style: chr5-149012639-G-A. GRCh37 (hg19) VCF-style: chr5-148392202-G-A.
Other names: short protein forms A1050V.
Identifiers: ClinVar variation 476905 (VCV000476905.11), dbSNP rs570067509, ClinGen allele CA3498840.